The following is an entry in ClinVar:

ClinVar aggregate classification (germline): Uncertain significance (1 of 4 stars; one submission).

Allele frequency attached by ClinVar (database versions not stated): ExAC 0.00003.
gnomAD v4.1: 13 of 1,613,500 alleles (0.00081%); highest among the groups gnomAD compares: South Asian, 0.014%; no homozygotes.

Submission:

Ambry Genetics
Classification: Uncertain significance. Last evaluated: 2024-02-02. Review status: criteria provided, single submitter. Criteria: Ambry Variant Classification Scheme 2023. Collection method: clinical testing. Allele origin: germline.
Comment: The p.P231Q variant (also known as c.692C>A), located in coding exon 2 of the TERF2IP gene, results from a C to A substitution at nucleotide position 692. The proline at codon 231 is replaced by glutamine, an amino acid with similar properties. This amino acid position is conserved. In addition, this alteration is predicted to be tolerated by in silico analysis. Based on the available evidence, the clinical significance of this alteration remains unclear.

NM_018975.4(TERF2IP):c.692C>A (p.Pro231Gln)

Gene: TERF2IP (TERF2 interacting protein; plus strand). Cytogenetic location: 16q23.1.
Variant type: single nucleotide variant.
Coding change: c.692C>A on transcript NM_018975.4 (MANE Select); coding-DNA position 692, C replaced by A.
Protein change: p.Pro231Gln; replaces proline 231 with glutamine.
Molecular consequence: missense variant. On other transcripts: non-coding transcript variant (1).
Genome position (GRCh38, 1-based): chr16:75,654,294, C>A. VCF-style: chr16-75654294-C-A. GRCh37 (hg19) VCF-style: chr16-75688192-C-A.
Other names: short protein forms P231Q.
Identifiers: ClinVar variation 3227195 (VCV003227195.1), dbSNP rs370337581, ClinGen allele CA8178064.